The following is an entry in ClinVar:

ClinVar aggregate classification (germline): Conflicting classifications of pathogenicity. Review status: criteria provided, conflicting classifications (1 of 4 stars). 33 submissions from 33 submitters: Uncertain significance (1); Benign (8); Likely benign (14). 10 of the submissions do not count toward it. Last evaluated 2026-08-01.

Conditions:
Breast and/or ovarian cancer. Identifiers: MedGen CN221562.
Hereditary cancer-predisposing syndrome. Also called: Neoplastic Syndromes, Hereditary; Tumor predisposition; Hereditary neoplastic syndrome; Hereditary Cancer Syndrome. Identifiers: Orphanet 140162, MedGen C0027672, MeSH D009386, MONDO:0015356.
Hereditary breast ovarian cancer syndrome. Also called: Breast and ovarian cancer; BRCA1- and BRCA2-Associated Hereditary Breast and Ovarian Cancer; Hereditary breast and/or ovarian cancer syndrome; Hereditary breast and ovarian cancer syndrome; Hereditary breast and ovarian cancer; Hereditary breast and ovarian cancer syndrome (HBOC). Identifiers: Orphanet 145, MedGen C0677776, MeSH D061325, MONDO:0003582. Disease mechanism: loss of function.
Familial cancer of breast. Also called: Hereditary breast cancer; hereditary breast carcinoma; BREAST CANCER, FAMILIAL. Identifiers: Orphanet 227535, MedGen C0346153, MONDO:0016419, OMIM 114480. Disease mechanism: loss of function.
Ataxia-telangiectasia syndrome (AT). Also called: Ataxia-telangiectasia, complementation group D; AT, COMPLEMENTATION GROUP C; Ataxia telangiectasia (A-T); LOUIS-BAR SYNDROME; Cerebello-oculocutaneous telangiectasia; Immunodeficiency with ataxia telangiectasia. Identifiers: Orphanet 100, MedGen C0004135, MONDO:0008840, OMIM 208900.
Malignant tumor of breast. Also called: Malignant breast neoplasm; Cancer breast. Identifiers: MedGen C0006142, MONDO:0007254. Disease mechanism: loss of function.

Allele frequency attached by ClinVar (database versions not stated): 1000 Genomes Project 30x 0.00094; 1000 Genomes Project 0.00100; TOPMed 0.00117; gnomAD exomes 0.00122 and 0.00183; gnomAD 0.00125; ExAC 0.00138; ESP Exome Variant Server 0.00200.
gnomAD v4.1: 2,879 of 1,613,764 alleles (0.18%); highest among the groups gnomAD compares: Non-Finnish European, 0.22%; 3 homozygotes.

Submissions 1 to 23 of 33:

CeGaT Center for Human Genetics Tuebingen
Classification: Likely benign. Last evaluated: 2026-08-01. Review status: criteria provided, single submitter. Criteria: CeGaT Center For Human Genetics Tuebingen Variant Classification Criteria Version 2. Collection method: clinical testing. Allele origin: germline. Affected: yes. Observed: 38 variant alleles.
Comment: ATM: BP4, BS1

Labcorp Genetics (formerly Invitae), Labcorp
Classification: Benign for Ataxia-telangiectasia syndrome. Last evaluated: 2026-02-04. Review status: criteria provided, single submitter. Criteria: Invitae Variant Classification Sherloc (09022015). Collection method: clinical testing. Allele origin: germline.

ARUP Laboratories, Molecular Genetics and Genomics, ARUP Laboratories
Classification: Likely benign. Last evaluated: 2025-07-23. Review status: criteria provided, single submitter. Criteria: ARUP Molecular Germline Variant Investigation Process 2024. Collection method: clinical testing. Allele origin: germline.

Mayo Clinic Laboratories, Mayo Clinic
Classification: Likely benign. Last evaluated: 2025-05-27. Review status: criteria provided, single submitter. Criteria: ACMG Guidelines, 2015. Collection method: clinical testing. Allele origin: germline. Observed: 17 variant alleles.
Comment: BS1, BP4, BP7

Molecular Diagnostics Laboratory, Catalan Institute of Oncology
Classification: Likely benign for Hereditary cancer-predisposing syndrome. Last evaluated: 2025-04-16. Review status: criteria provided, single submitter. Criteria: ClinGen ACMG Specifications ATM V1.1.0. Collection method: clinical testing. Allele origin: germline.
Comment: BS1, BP7 c.4473C>T, located in exon 30 of the ATM gene, is predicted to result in no splicing alteration (according to SpliceAI) and no amino acid change, p.(Phe1491=) (BP7). The variant allele was found in 233/118006 alleles, with a filter allele frequency of 0.168% at 99% confidence, within the NFE population in the gnomAD v2.1.1 database (non-cancer data set) (BS1). To our knowledge, neither relevant clinical data nor well-stablished functional studies have been reported for this variant. It has been reported in ClinVar (19x LB, 9x B, 1x VUS) and LOVD (7x LB) databases. Based on the currently available information, c.4473C>T is classified as a likely benign variant according to ClinGen-ATM Guidelines version 1.1.

Center for Genomic Medicine, Rigshospitalet, Copenhagen University Hospital
Classification: Likely benign. Last evaluated: 2025-03-04. Review status: criteria provided, single submitter. Criteria: ACMG Guidelines, 2015. Collection method: clinical testing. Allele origin: germline.

Blueprint Genetics
Classification: Likely benign. Last evaluated: 2024-11-26. Review status: criteria provided, single submitter. Criteria: ACMG Guidelines, 2015. Collection method: clinical testing. Allele origin: germline.

Myriad Genetics, Inc.
Classification: Benign for Familial cancer of breast. Last evaluated: 2024-05-20. Review status: criteria provided, single submitter. Criteria: Myriad Autosomal Dominant, Autosomal Recessive and X-Linked Classification Criteria (2023). Collection method: clinical testing. Allele origin: unknown.
Comment: This variant is considered benign. This variant is a silent/synonymous amino acid change and it is not expected to impact splicing.

Quest Diagnostics Nichols Institute San Juan Capistrano
Classification: Benign. Last evaluated: 2023-04-24. Review status: criteria provided, single submitter. Criteria: Quest Diagnostics criteria. Collection method: clinical testing. Allele origin: unknown.

CHEO Genetics Diagnostic Laboratory, Children's Hospital of Eastern Ontario
Classification: Likely benign for Breast and/or ovarian cancer. Last evaluated: 2023-03-23. Review status: criteria provided, single submitter. Criteria: ACMG Guidelines, 2015. Collection method: clinical testing. Allele origin: germline.

National Health Laboratory Service, Universitas Academic Hospital and University of the Free State
Classification: Likely benign for Hereditary breast ovarian cancer syndrome. Last evaluated: 2022-04-19. Review status: criteria provided, single submitter. Criteria: ACMG Guidelines, 2015. Collection method: clinical testing. Allele origin: germline. Affected: yes. Observed: 1 variant allele.

Genetic Services Laboratory, University of Chicago
Classification: Likely benign. Last evaluated: 2021-09-22. Review status: criteria provided, single submitter. Criteria: ACMG Guidelines, 2015. Collection method: clinical testing. Allele origin: germline. Affected: no.
Comment: DNA sequence analysis of the ATM gene demonstrated a sequence change, c.4473C>T, in exon 30 which does not result in an amino acid change. This sequence change has been described in the gnomAD database with a frequency of 0.20% in the European sub-population (dbSNP rs4988008). The p.Phe1491Phe change has been identified in a hereditary breast and ovarian cancer family (PMID: 12810666). This sequence change is not predicted to have a deleterious effect on splicing based on in silico splice prediction programs. The p.Phe1491Phe change affects a moderately conserved nucleotide located in a domain of the ATM protein that is not known to be functional. It is likely that this is a normal variant in the ATM gene however functional studies have not been performed to prove this conclusively.

Sema4
Classification: Likely benign for Hereditary cancer-predisposing syndrome. Last evaluated: 2021-04-13. Review status: criteria provided, single submitter. Criteria: Sema4 Curation Guidelines. Collection method: curation. Allele origin: germline.

Mendelics
Classification: Likely benign for Ataxia-telangiectasia syndrome. Last evaluated: 2019-05-28. Review status: criteria provided, single submitter. Criteria: Mendelics Assertion Criteria 2017. Collection method: clinical testing. Allele origin: unknown.

Athena Diagnostics
Classification: Benign. Last evaluated: 2019-02-12. Review status: criteria provided, single submitter. Criteria: Athena Diagnostics Criteria. Collection method: clinical testing. Allele origin: germline.

Illumina Laboratory Services, Illumina
Classification: Uncertain significance for Ataxia-telangiectasia syndrome. Last evaluated: 2018-01-13. Review status: criteria provided, single submitter. Criteria: ICSL Variant Classification Criteria 13 December 2019. Collection method: clinical testing. Allele origin: germline.

Clinical Genetics DNA and cytogenetics Diagnostics Lab, Erasmus MC, Erasmus Medical Center
Classification: Likely benign for Ataxia-telangiectasia syndrome. Last evaluated: 2017-06-28. Review status: criteria provided, single submitter. Criteria: ACGS Guidelines, 2013. Collection method: clinical testing. Allele origin: germline. Affected: yes. Study: VKGL Data-share Consensus.

PreventionGenetics, part of Exact Sciences
Classification: Likely benign. Last evaluated: 2017-05-15. Review status: criteria provided, single submitter. Criteria: ACMG Guidelines, 2015. Collection method: clinical testing. Allele origin: germline.

Ambry Genetics
Classification: Likely benign for Hereditary cancer-predisposing syndrome. Last evaluated: 2016-11-10. Review status: criteria provided, single submitter. Criteria: Ambry Variant Classification Scheme 2023. Collection method: clinical testing. Allele origin: germline.

Eurofins Ntd Llc (ga)
Classification: Benign. Last evaluated: 2016-10-24. Review status: criteria provided, single submitter. Criteria: EGL Classification Definitions 2015. Collection method: clinical testing. Allele origin: germline. Observed: 1 variant allele, 1 heterozygote.

Women's Health and Genetics/Laboratory Corporation of America, LabCorp
Classification: Benign. Last evaluated: 2016-03-07. Review status: criteria provided, single submitter. Criteria: LabCorp Variant Classification Summary - May 2015. Collection method: clinical testing. Allele origin: germline.

Color Diagnostics, LLC DBA Color Health
Classification: Benign for Hereditary cancer-predisposing syndrome. Last evaluated: 2015-04-10. Review status: criteria provided, single submitter. Criteria: ACMG Guidelines, 2015. Collection method: clinical testing. Allele origin: germline.

GeneDx
Classification: Benign. Last evaluated: 2013-12-24. Review status: criteria provided, single submitter. Criteria: GeneDx Variant Classification (06012015). Collection method: clinical testing. Allele origin: germline. Affected: yes.
Comment: This variant is considered likely benign or benign based on one or more of the following criteria: it is a conservative change, it occurs at a poorly conserved position in the protein, it is predicted to be benign by multiple in silico algorithms, and/or has population frequency not consistent with disease.

NM_000051.4(ATM):c.4473C>T (p.Phe1491=)

Gene: ATM (ATM serine/threonine kinase; plus strand). Cytogenetic location: 11q22.3.
Variant type: single nucleotide variant.
Coding change: c.4473C>T on transcript NM_000051.4 (MANE Select); coding-DNA position 4473, C replaced by T.
Protein change: p.Phe1491=; no amino-acid change (phenylalanine 1491 retained).
Molecular consequence: synonymous variant.
Genome position (GRCh38, 1-based): chr11:108,292,655, C>T. VCF-style: chr11-108292655-C-T. GRCh37 (hg19) VCF-style: chr11-108163382-C-T.
Other names: p.F1491F:TTC>TTT; NP_000042.3:p.Phe1491=; p.Phe1491=; c.4473C>T, p.Phe1491= (NM_001351834.2).
Identifiers: ClinVar variation 135754 (VCV000135754.94), dbSNP rs4988008, ClinGen allele CA289569.